The following is an entry in ClinVar:

NC_000010.11:g.(?_71439832)_(71439898_?)del

Gene: CDH23 (cadherin related 23; plus strand). Cytogenetic location: 10q22.1.
Variant type: Deletion.
Identifiers: ClinVar variation 832152 (VCV000832152.5).

ClinVar aggregate classification (germline): Pathogenic (1 of 4 stars; one submission).

Submission:

Labcorp Genetics (formerly Invitae), Labcorp
Classification: Pathogenic. Last evaluated: 2021-12-13. Review status: criteria provided, single submitter. Criteria: Invitae Variant Classification Sherloc (09022015). Collection method: clinical testing. Allele origin: germline.
Comment: For these reasons, this variant has been classified as Pathogenic. This variant has not been reported in the literature in individuals affected with CDH23-related conditions. This variant is a gross deletion of the genomic region encompassing exon(s) 2 of the CDH23 gene, which includes the initiator codon. This deletion extends beyond the assayed region for this gene and therefore may encompass additional genes. It is expected to result in an absent or disrupted protein product. Loss-of-function variants in CDH23 are known to be pathogenic (PMID: 11138009, 21940737).

Literature cited by the submitters: PubMed 11138009; PubMed 21940737.